The following is an entry in ClinVar:

ClinVar aggregate classification (germline): Uncertain significance. Review status: criteria provided, multiple submitters, no conflicts (2 of 4 stars). 2 submissions from 2 submitters: Uncertain significance (2). Last evaluated 2025-04-16.

Allele frequency attached by ClinVar (database versions not stated): gnomAD exomes below 0.00001.
gnomAD v4.1: 1 of 1,614,026 alleles (0.000062%); highest among the groups gnomAD compares: Non-Finnish European, 0.000085%; no homozygotes.

Submissions (2):

Ambry Genetics
Classification: Uncertain significance. Last evaluated: 2025-04-16. Review status: criteria provided, single submitter. Criteria: Ambry Variant Classification Scheme 2023. Collection method: clinical testing. Allele origin: germline.
Comment: The p.P507R variant (also known as c.1520C>G), located in coding exon 8 of the RNF43 gene, results from a C to G substitution at nucleotide position 1520. The proline at codon 507 is replaced by arginine, an amino acid with dissimilar properties. This amino acid position is conserved. In addition, the in silico prediction for this alteration is inconclusive. Based on the available evidence, the clinical significance of this variant remains unclear.

Labcorp Genetics (formerly Invitae), Labcorp
Classification: Uncertain significance. Last evaluated: 2020-08-04. Review status: criteria provided, single submitter. Criteria: Invitae Variant Classification Sherloc (09022015). Collection method: clinical testing. Allele origin: germline.
Comment: In summary, the available evidence is currently insufficient to determine the role of this variant in disease. Therefore, it has been classified as a Variant of Uncertain Significance. Algorithms developed to predict the effect of missense changes on protein structure and function are either unavailable or do not agree on the potential impact of this missense change (SIFT: "Deleterious"; PolyPhen-2: "Possibly Damaging"; Align-GVGD: "Class C0"). This variant has not been reported in the literature in individuals with RNF43-related conditions. This variant is not present in population databases (ExAC no frequency). This sequence change replaces proline with arginine at codon 507 of the RNF43 protein (p.Pro507Arg). The proline residue is highly conserved and there is a moderate physicochemical difference between proline and arginine.

NM_017763.6(RNF43):c.1520C>G (p.Pro507Arg)

Gene: RNF43 (ring finger protein 43; minus strand). Cytogenetic location: 17q22.
Variant type: single nucleotide variant.
Coding change: c.1520C>G on transcript NM_017763.6 (MANE Select); coding-DNA position 1520, C replaced by G.
Protein change: p.Pro507Arg; replaces proline 507 with arginine.
Molecular consequence: missense variant.
Genome position (GRCh38, 1-based): chr17:58,358,256, G>C on the plus strand (C>G on the coding strand, the complement: RNF43 is on the minus strand). VCF-style: chr17-58358256-G-C. GRCh37 (hg19) VCF-style: chr17-56435617-G-C.
Other names: c.1520C>G, p.Pro507Arg (NM_001305544.3); c.1139C>G, p.Pro380Arg (NM_001305545.2); short protein forms P380R, P507R.
Identifiers: ClinVar variation 1035295 (VCV001035295.9), dbSNP rs1972743268, ClinGen allele CA400329523.